The following is an entry in ClinVar:

ClinVar aggregate classification (germline): Uncertain significance. Review status: reviewed by expert panel (3 of 4 stars). 4 submissions from 4 submitters: Uncertain significance (1). 3 of the submissions do not count toward it. Last evaluated 2024-08-01.

Conditions:
Hereditary thrombocytopenia and hematologic cancer predisposition syndrome. Identifiers: Orphanet 71290, MedGen CN281654, MONDO:0011071.
Inborn genetic diseases. Identifiers: MedGen C0950123, MeSH D030342.
Acute myeloid leukemia (AML). Also called: Acute myeloid leukemia, adult; AML adult; Acute non-lymphocytic leukemia; Acute granulocytic leukemia; Leukemia, acute myelogenous, somatic; Leukemia, acute myeloid, somatic. Identifiers: Orphanet 519, MedGen C0023467, MeSH D015470, MONDO:0018874, OMIM 601626, HP:0004808. Disease mechanism: Constitutively activated FLT3.
Hereditary thrombocytopenia and hematological cancer predisposition syndrome associated with RUNX1. Also called: Familial Platelet Disorder with Propensity to Acute Myelogenous Leukemia; Familial thrombocytopenia with propensity to acute myelogenous leukemia; PLATELET DISORDER, ASPIRIN-LIKE; RUNX1 Familial Platelet Disorder with Associated Myeloid Malignancies. Identifiers: Orphanet 71290, MedGen C1832388, MeSH C563324, MONDO:0100083, OMIM 601399.

Allele frequency attached by ClinVar (database versions not stated): gnomAD exomes 0.00001.
gnomAD v4.1: 3 of 1,614,144 alleles (0.00019%); highest among the groups gnomAD compares: African/African-American, 0.0013%; no homozygotes.

Submissions (4):

ClinGen Myeloid Malignancy Variant Curation Expert Panel
Classification: Uncertain significance for Hereditary thrombocytopenia and hematologic cancer predisposition syndrome. Last evaluated: 2024-08-01. Review status: reviewed by expert panel. Criteria: ClinGen MyeloMalig ACMG Specifications v2. Collection method: curation. Allele origin: germline. Inheritance: Autosomal dominant inheritance.
Comment: NM_001754.5(RUNX1):c.833C>T (p.Pro278Leu) is a missense variant which has a REVEL score of 0.491, below the threshold (<0.50) for pathogenicity. The SpliceAI score is 0.1 (threshold <0.20) for acceptor loss, indicating a very low chance this variant impacts splicing (BP4). In summary, the clinical significance of this variant is uncertain. ACMG/AMP criteria applied, as specified by the Myeloid Malignancy Variant Curation Expert Panel for RUNX1: BP4.

Ambry Genetics
Classification: Uncertain significance for Inborn genetic diseases. Last evaluated: 2025-05-27. Review status: criteria provided, single submitter. Criteria: Ambry Variant Classification Scheme 2023. Collection method: clinical testing. Allele origin: germline. Not counted in ClinVar's aggregate classification.
Comment: The p.P278L variant (also known as c.833C>T), located in coding exon 7 of the RUNX1 gene, results from a C to T substitution at nucleotide position 833. The proline at codon 278 is replaced by leucine, an amino acid with similar properties. This amino acid position is well conserved in available vertebrate species. In addition, the in silico prediction for this alteration is inconclusive. Based on the available evidence, the clinical significance of this variant remains unclear.

Labcorp Genetics (formerly Invitae), Labcorp
Classification: Uncertain significance for Hereditary thrombocytopenia and hematological cancer predisposition syndrome associated with RUNX1. Last evaluated: 2024-04-23. Review status: criteria provided, single submitter. Criteria: Invitae Variant Classification Sherloc (09022015). Collection method: clinical testing. Allele origin: germline. Not counted in ClinVar's aggregate classification.
Comment: This sequence change replaces proline, which is neutral and non-polar, with leucine, which is neutral and non-polar, at codon 278 of the RUNX1 protein (p.Pro278Leu). This variant is present in population databases (no rsID available, gnomAD 0.007%). This variant has not been reported in the literature in individuals affected with RUNX1-related conditions. ClinVar contains an entry for this variant (Variation ID: 960066). Advanced modeling of protein sequence and biophysical properties (such as structural, functional, and spatial information, amino acid conservation, physicochemical variation, residue mobility, and thermodynamic stability) performed at Invitae indicates that this missense variant is not expected to disrupt RUNX1 protein function with a negative predictive value of 80%. In summary, the available evidence is currently insufficient to determine the role of this variant in disease. Therefore, it has been classified as a Variant of Uncertain Significance.

Baylor Genetics
Classification: Uncertain significance for Acute myeloid leukemia. Last evaluated: 2024-01-28. Review status: criteria provided, single submitter. Criteria: ACMG Guidelines, 2015. Collection method: clinical testing. Allele origin: unknown. Not counted in ClinVar's aggregate classification.

NM_001754.5(RUNX1):c.833C>T (p.Pro278Leu)

Gene: RUNX1 (RUNX family transcription factor 1; minus strand). Cytogenetic location: 21q22.12.
Variant type: single nucleotide variant.
Coding change: c.833C>T on transcript NM_001754.5 (MANE Select); coding-DNA position 833, C replaced by T.
Protein change: p.Pro278Leu; replaces proline 278 with leucine.
Molecular consequence: missense variant.
Genome position (GRCh38, 1-based): chr21:34,799,435, G>A on the plus strand (C>T on the coding strand, the complement: RUNX1 is on the minus strand). VCF-style: chr21-34799435-G-A. GRCh37 (hg19) VCF-style: chr21-36171732-G-A.
Other names: NM_001754.5(RUNX1):c.833C>T; p.Pro278Leu; c.752C>T, p.Pro251Leu (NM_001001890.3); short protein forms P251L, P278L.
Identifiers: ClinVar variation 960066 (VCV000960066.12), dbSNP rs759227406, ClinGen allele CA410150240.
Genomic context (GRCh38, chr21:34,799,435, plus strand): 5'-GGGTGCACAGAAGGAGAGGCAATGGATCCCAGGTATTGGTAGGACTGATCGTAGGACCAC[G>A]GTGGGGATGGTTGGATCTGCCTTGTATCTGAAGAGAATCAGAAAGGTCAATTATATGTAA-3'
Protein context (NP_001745.2, residues 268-288): QDTRQIQPSP[Pro278Leu]WSYDQSYQYL